The following is an entry in ClinVar:

ClinVar aggregate classification (germline): Conflicting classifications of pathogenicity. Review status: criteria provided, conflicting classifications (1 of 4 stars). 3 submissions from 3 submitters: Uncertain significance (2); Likely benign (1). Last evaluated 2024-04-17.

Conditions:
Hereditary spastic paraplegia 11. Also called: Nakamura Osame syndrome; Spastic paraplegia, mental retardation and thin corpus callosum; Autosomal recessive hereditary spastic paraplegia, mental impairment, and thin corpus callosum; SPASTIC PARAPLEGIA, AUTOSOMAL RECESSIVE, COMPLICATED, WITH THIN CORPUS CALLOSUM; SPASTIC PARAPLEGIA, AUTOSOMAL RECESSIVE, WITH MENTAL IMPAIRMENT AND THIN CORPUS CALLOSUM; Spastic Paraplegia 11. Identifiers: Orphanet 2822, MedGen C1858479, MONDO:0011445, OMIM 604360.
Inborn genetic diseases. Identifiers: MedGen C0950123, MeSH D030342.

Allele frequency attached by ClinVar (database versions not stated): ExAC below 0.00001; gnomAD exomes 0.00001; gnomAD 0.00005 and 0.00007; TOPMed 0.00012.
gnomAD v4.1: 19 of 1,594,366 alleles (0.0012%); highest among the groups gnomAD compares: African/African-American, 0.023%; no homozygotes.

Submissions (3):

Labcorp Genetics (formerly Invitae), Labcorp
Classification: Uncertain significance for Hereditary spastic paraplegia 11. Last evaluated: 2024-04-17. Review status: criteria provided, single submitter. Criteria: Invitae Variant Classification Sherloc (09022015). Collection method: clinical testing. Allele origin: germline.
Comment: This sequence change replaces glutamic acid, which is acidic and polar, with lysine, which is basic and polar, at codon 4 of the SPG11 protein (p.Glu4Lys). The frequency data for this variant in the population databases is considered unreliable, as metrics indicate poor data quality at this position in the gnomAD database. This variant has not been reported in the literature in individuals affected with SPG11-related conditions. ClinVar contains an entry for this variant (Variation ID: 1036033). Algorithms developed to predict the effect of missense changes on protein structure and function output the following: SIFT: "Not Available"; PolyPhen-2: "Not Available"; Align-GVGD: "Not Available". The lysine amino acid residue is found in multiple mammalian species, which suggests that this missense change does not adversely affect protein function. In summary, the available evidence is currently insufficient to determine the role of this variant in disease. Therefore, it has been classified as a Variant of Uncertain Significance.

Ambry Genetics
Classification: Uncertain significance for Inborn genetic diseases. Last evaluated: 2023-09-21. Review status: criteria provided, single submitter. Criteria: Ambry Variant Classification Scheme 2023. Collection method: clinical testing. Allele origin: germline.

Blueprint Genetics
Classification: Likely benign. Last evaluated: 2022-08-02. Review status: criteria provided, single submitter. Criteria: ACMG Guidelines, 2015. Collection method: clinical testing. Allele origin: germline.

NM_025137.4(SPG11):c.10G>A (p.Glu4Lys)

Gene: SPG11 (SPG11 vesicle trafficking associated, spatacsin; minus strand). Cytogenetic location: 15q21.1.
Variant type: single nucleotide variant.
Coding change: c.10G>A on transcript NM_025137.4 (MANE Select); coding-DNA position 10, G replaced by A.
Protein change: p.Glu4Lys; replaces glutamic acid 4 with lysine.
Molecular consequence: missense variant.
Genome position (GRCh38, 1-based): chr15:44,663,638, C>T on the plus strand (G>A on the coding strand, the complement: SPG11 is on the minus strand). VCF-style: chr15-44663638-C-T. GRCh37 (hg19) VCF-style: chr15-44955836-C-T.
Other names: c.10G>A, p.Glu4Lys (NM_001160227.2); c.10G>A (NM_025137.3); short protein forms E4K.
Identifiers: ClinVar variation 1036033 (VCV001036033.8), dbSNP rs765163502, ClinGen allele CA7535990.
Genomic context (GRCh38, chr15:44,663,638, plus strand): 5'-GCCCCATGGCCGCGGTGCCCCAGCTACCGCCGGCGGAAGCAGCACTCGCGACCCCTTCCT[C>T]TGCAGCCATCTTGGCCCGGCGGTTACTTCCGGTCACTTTCGCCGGAACCTGACTGCGTCG-3'
Protein context (NP_079413.3, residues 1-14): MAA[Glu4Lys]EGVASAASAG